The following is an entry in ClinVar:

NM_004304.5(ALK):c.2942T>C (p.Ile981Thr)

Gene: ALK (ALK receptor tyrosine kinase; minus strand). Cytogenetic location: 2p23.2.
Variant type: single nucleotide variant.
Coding change: c.2942T>C on transcript NM_004304.5 (MANE Select); coding-DNA position 2942, T replaced by C.
Protein change: p.Ile981Thr; replaces isoleucine 981 with threonine.
Molecular consequence: missense variant.
Genome position (GRCh38, 1-based): chr2:29,227,047, A>G on the plus strand (T>C on the coding strand, the complement: ALK is on the minus strand). VCF-style: chr2-29227047-A-G. GRCh37 (hg19) VCF-style: chr2-29449913-A-G.
Other names: short protein forms I981T.
Identifiers: ClinVar variation 3631613 (VCV003631613.2).

ClinVar aggregate classification (germline): Uncertain significance (1 of 4 stars; one submission).

Conditions:
Neuroblastoma, susceptibility to, 3. Also called: ALK-Related Neuroblastic Tumor Susceptibility. Identifiers: Orphanet 635, MedGen C2751681, MONDO:0013083, OMIM 613014.

Submission:

Labcorp Genetics (formerly Invitae), Labcorp
Classification: Uncertain significance for Neuroblastoma, susceptibility to, 3. Last evaluated: 2024-08-27. Review status: criteria provided, single submitter. Criteria: Invitae Variant Classification Sherloc (09022015). Collection method: clinical testing. Allele origin: germline.
Comment: This sequence change replaces isoleucine, which is neutral and non-polar, with threonine, which is neutral and polar, at codon 981 of the ALK protein (p.Ile981Thr). This variant is not present in population databases (gnomAD no frequency). This variant has not been reported in the literature in individuals affected with ALK-related conditions. An algorithm developed to predict the effect of missense changes on protein structure and function (PolyPhen-2) suggests that this variant is likely to be disruptive. In summary, the available evidence is currently insufficient to determine the role of this variant in disease. Therefore, it has been classified as a Variant of Uncertain Significance.